The following is an entry in ClinVar:

ClinVar aggregate classification (germline): Pathogenic/Likely pathogenic. Review status: criteria provided, multiple submitters, no conflicts (2 of 4 stars). 5 submissions from 5 submitters: Pathogenic (1); Likely pathogenic (4). Last evaluated 2025-09-02.

Conditions:
Propionic acidemia (PROP). Also called: GLYCINEMIA, KETOTIC; HYPERGLYCINEMIA WITH KETOACIDOSIS AND LEUKOPENIA; KETOTIC HYPERGLYCINEMIA. Identifiers: Orphanet 35, MedGen C0268579, MONDO:0011628, OMIM 606054, HP:0003571.

Submissions (5):

Labcorp Genetics (formerly Invitae), Labcorp
Classification: Pathogenic for Propionic acidemia. Last evaluated: 2025-09-02. Review status: criteria provided, single submitter. Criteria: Invitae Variant Classification Sherloc (09022015). Collection method: clinical testing. Allele origin: germline.
Comment: This variant, c.1225_1227del, results in the deletion of 1 amino acid(s) of the PCCB protein (p.Ile409del), but otherwise preserves the integrity of the reading frame. This variant is not present in population databases (gnomAD no frequency). This variant has been observed in individual(s) with propionic acidemia (PMID: 2154743, 2249848). In at least one individual the data is consistent with being in trans (on the opposite chromosome) from a pathogenic variant. This variant is also known as the ATC deletion, 1222del3 (I408del). Algorithms developed to predict the effect of variants on gene product structure and function are not available or were not evaluated for this variant. Experimental studies have shown that this variant affects PCCB function (PMID: 12007220). For these reasons, this variant has been classified as Pathogenic.

Natera, Inc.
Classification: Likely pathogenic for Propionic acidemia. Last evaluated: 2024-05-30. Review status: criteria provided, single submitter. Criteria: Natera Variant Classification Schema (03/2026). Collection method: clinical testing. Allele origin: germline.
Comment: The c.1225_1227delATC variant in PCCB is an in-frame deletion predicted to remove isoleucine at amino acid 409 while preserving the reading frame. This variant is rare in the general population with a frequency below the threshold expected for the associated phenotype(s). This variant has been observed in one or more individuals affected with the associated recessive disease, as either homozygous or compound heterozygous with a second variant (PMID: 31249402, 2154743). This variant results in a change to the protein length while preserving reading frame, which may disrupt normal protein structure or function. Computational prediction algorithms indicate this variant is likely to affect gene or protein function. Given the available evidence, this variant is classified as Likely Pathogenic.

Fulgent Genetics
Classification: Likely pathogenic for Propionic acidemia. Last evaluated: 2024-03-23. Review status: criteria provided, single submitter. Criteria: ACMG Guidelines, 2015. Collection method: clinical testing. Allele origin: germline.

Women's Health and Genetics/Laboratory Corporation of America, LabCorp
Classification: Likely pathogenic for Propionic acidemia. Last evaluated: 2024-03-21. Review status: criteria provided, single submitter. Criteria: LabCorp Variant Classification Summary - May 2015. Collection method: clinical testing. Allele origin: germline.
Comment: Variant summary: PCCB c.1225_1227delATC (p.Ile409del) results in an in-frame deletion that is predicted to remove one amino acid from the encoded protein. The variant was absent in 251024 control chromosomes. c.1225_1227delATC has been reported in the literature as a compound heterozygous genotype in at-least two unrelated individuals with Propionic Acidemia (example, Tahara_1990 cited by Tahara_1993, Rodriguez-Pombo_2005, Marchuk_2023). At least one publication reports experimental evidence evaluating an impact on protein function. The most pronounced variant effect results in complete absence of normal propionyl-CoA carboxylase activity (example, Chloupkova_2002). The following publications have been ascertained in the context of this evaluation (PMID: 12007220, 2249848, 37482098, 15949719, 8411997, 2154743). ClinVar contains an entry for this variant (Variation ID: 2203446). Based on the evidence outlined above, the variant was classified as likely pathogenic.

Baylor Genetics
Classification: Likely pathogenic for Propionic acidemia. Last evaluated: 2024-03-16. Review status: criteria provided, single submitter. Criteria: ACMG Guidelines, 2015. Collection method: clinical testing. Allele origin: unknown.

Literature cited by the submitters: PubMed 2154743 (cited by 3 submitters); PubMed 2249848 (cited by Labcorp Genetics (formerly Invitae), Labcorp and Women's Health and Genetics/Laboratory Corporation of America, LabCorp); PubMed 12007220 (cited by Labcorp Genetics (formerly Invitae), Labcorp and Women's Health and Genetics/Laboratory Corporation of America, LabCorp); PubMed 31249402 (cited by Natera, Inc.); PubMed 37482098 (cited by Women's Health and Genetics/Laboratory Corporation of America, LabCorp); PubMed 15949719 (cited by Women's Health and Genetics/Laboratory Corporation of America, LabCorp); PubMed 8411997 (cited by Women's Health and Genetics/Laboratory Corporation of America, LabCorp).

NM_000532.5(PCCB):c.1222ATC[1] (p.Ile409del)

Gene: PCCB (propionyl-CoA carboxylase subunit beta; plus strand). Cytogenetic location: 3q22.3.
Variant type: Microsatellite.
Coding change: c.1222ATC[1] on transcript NM_000532.5 (MANE Select); one copy of the 3-base unit ATC starting at c.1222; the reference has two copies in a row; one copy, 3 bases deleted; also written c.1225_1227del.
Protein change: p.Ile409del; deletes isoleucine 409.
Molecular consequence: inframe deletion.
Genome position (GRCh38, 1-based): chr3:136,327,181-136,327,183, ATC deleted; deleting any 3 consecutive bases within chr3:136,327,177-136,327,183 gives the same sequence; the position shown is the placement nearest the transcript's 3' end. VCF-style (leftmost placement, unchanged base first): chr3-136327176-GCAT-G. GRCh37 (hg19) VCF-style: chr3-136046018-GCAT-G.
Other names: c.1225_1227delATC (NM_000532.4, NM_000532.5); c.1282ATC[1], p.Ile429del (NM_001178014.2); c.1225_1227del (NM_000532.5); short protein forms I409del, I429del.
Identifiers: ClinVar variation 2203446 (VCV002203446.9), dbSNP rs2529972056, ClinGen allele CA891862592.